The following is an entry in ClinVar:

NM_004565.3(PEX14):c.517G>A (p.Val173Ile)

Genes: PEX14 (peroxisomal biogenesis factor 14; plus strand), LOC126805616 (CDK7 strongly-dependent group 2 enhancer GRCh37_chr1:10683990-10685189; plus strand). Cytogenetic location: 1p36.22.
Variant type: single nucleotide variant.
Coding change: c.517G>A on transcript NM_004565.3 (MANE Select); coding-DNA position 517, G replaced by A.
Protein change: p.Val173Ile; replaces valine 173 with isoleucine.
Molecular consequence: missense variant.
Genome position (GRCh38, 1-based): chr1:10,624,369, G>A. VCF-style: chr1-10624369-G-A. GRCh37 (hg19) VCF-style: chr1-10684426-G-A.
Other names: c.517G>A (NM_004565.2); short protein forms V173I.
Identifiers: ClinVar variation 1351347 (VCV001351347.8), dbSNP rs200019568, ClinGen allele CA583884.

ClinVar aggregate classification (germline): Uncertain significance. Review status: criteria provided, multiple submitters, no conflicts (2 of 4 stars). 2 submissions from 2 submitters: Uncertain significance (2). Last evaluated 2025-10-14.

Conditions:
PEX14-related disorder. Also called: PEX14-related condition.
Peroxisome biogenesis disorder, complementation group K (CGK). Identifiers: MedGen C1866257, MONDO:0800365.

Allele frequency attached by ClinVar (database versions not stated): ESP Exome Variant Server 0.00008.
gnomAD v4.1: 12 of 1,613,452 alleles (0.00074%); highest among the groups gnomAD compares: Admixed American, 0.0033%; no homozygotes.

Submissions (2):

PreventionGenetics, part of Exact Sciences
Classification: Uncertain significance for PEX14-related condition. Last evaluated: 2025-10-14. Review status: criteria provided, single submitter. Criteria: ACMG Guidelines, 2015. Collection method: clinical testing. Allele origin: germline.
Comment: The PEX14 c.517G>A variant is predicted to result in the amino acid substitution p.Val173Ile. To our knowledge, this variant has not been reported in the literature. This variant is reported in 0.0026% of alleles in individuals of European (Non-Finnish) descent in gnomAD. At this time, the clinical significance of this variant is uncertain due to the absence of conclusive functional and genetic evidence.

Labcorp Genetics (formerly Invitae), Labcorp
Classification: Uncertain significance for Peroxisome biogenesis disorder, complementation group K. Last evaluated: 2024-08-29. Review status: criteria provided, single submitter. Criteria: Invitae Variant Classification Sherloc (09022015). Collection method: clinical testing. Allele origin: germline.
Comment: This sequence change replaces valine, which is neutral and non-polar, with isoleucine, which is neutral and non-polar, at codon 173 of the PEX14 protein (p.Val173Ile). This variant is present in population databases (rs200019568, gnomAD 0.003%). This variant has not been reported in the literature in individuals affected with PEX14-related conditions. ClinVar contains an entry for this variant (Variation ID: 1351347). Invitae Evidence Modeling of protein sequence and biophysical properties (such as structural, functional, and spatial information, amino acid conservation, physicochemical variation, residue mobility, and thermodynamic stability) indicates that this missense variant is not expected to disrupt PEX14 protein function with a negative predictive value of 80%. In summary, the available evidence is currently insufficient to determine the role of this variant in disease. Therefore, it has been classified as a Variant of Uncertain Significance.